The following is an entry in ClinVar:

ClinVar aggregate classification (germline): Uncertain significance (1 of 4 stars; one submission).

Conditions:
Cardiomyopathy (CMYO). Also called: Cardiomyopathies. Identifiers: Orphanet 167848, MedGen C0878544, MONDO:0004994, HP:0001638. Inheritance: Various modes of inheritance.

Submission:

Color Diagnostics, LLC DBA Color Health
Classification: Uncertain significance for Cardiomyopathy. Last evaluated: 2024-03-06. Review status: criteria provided, single submitter. Criteria: ACMG Guidelines, 2015. Collection method: clinical testing. Allele origin: germline.
Comment: This missense variant replaces arginine with leucine at codon 490 of the PKP2 protein. Computational prediction tool suggests that this variant may not impact protein structure and function (internally defined REVEL score threshold <=0.5, PMID: 27666373). Splice site prediction tools suggest that this variant may not impact RNA splicing. To our knowledge, functional studies have not been performed for this variant. This variant has not been reported in individuals affected with cardiovascular disorders in the literature. This variant has not been identified in the general population by the Genome Aggregation Database (gnomAD). The available evidence is insufficient to determine the role of this variant in disease conclusively. Therefore, this variant is classified as a Variant of Uncertain Significance.

NM_001005242.3(PKP2):c.1379-2018G>T

Gene: PKP2 (plakophilin 2; minus strand). Cytogenetic location: 12p11.21.
Variant type: single nucleotide variant.
Coding change: c.1379-2018G>T on transcript NM_001005242.3 (MANE Select); 2018 bases into the intron before coding-DNA position 1379, G replaced by T.
Molecular consequence: intron variant. On other transcripts: missense variant (1).
Genome position (GRCh38, 1-based): chr12:32,843,223, C>A on the plus strand (G>T on the coding strand, the complement: PKP2 is on the minus strand). VCF-style: chr12-32843223-C-A. GRCh37 (hg19) VCF-style: chr12-32996157-C-A.
Other names: c.1469G>T, p.Arg490Leu (NM_004572.4); short protein forms R490L.
Identifiers: ClinVar variation 921214 (VCV000921214.4), dbSNP rs369518480, ClinGen allele CA384368627.
Genomic context (GRCh38, chr12:32,843,223, plus strand): 5'-GTAGAGACAGGGGTCTCACCATGTTGGTCAGGCTGGTCTCGAACTCCTGACCTCGTGATC[C>A]GCCCGCCTTGGCCTCCCAAAGTGCTGGGATTACAGGCGTGAGCCACCGCGCCCGGCCAGC-3'